The following is an entry in ClinVar:

NM_000018.4(ACADVL):c.1924G>A (p.Val642Met)

Gene: ACADVL (acyl-CoA dehydrogenase very long chain; plus strand). Cytogenetic location: 17p13.1.
Variant type: single nucleotide variant.
Coding change: c.1924G>A on transcript NM_000018.4 (MANE Select); coding-DNA position 1924, G replaced by A.
Protein change: p.Val642Met; replaces valine 642 with methionine.
Molecular consequence: missense variant.
Genome position (GRCh38, 1-based): chr17:7,225,053, G>A. VCF-style: chr17-7225053-G-A. GRCh37 (hg19) VCF-style: chr17-7128372-G-A.
Other names: c.1858G>A, p.Val620Met (NM_001033859.3); c.1993G>A, p.Val665Met (NM_001270447.2); c.1696G>A, p.Val566Met (NM_001270448.2); short protein forms V642M, V665M, V566M, V620M.
Identifiers: ClinVar variation 2418760 (VCV002418760.8), dbSNP rs2071414050, ClinGen allele CA397726189.
Genomic context (GRCh38, chr17:7,225,053, plus strand): 5'-CAGTCTGACCCCTGGCAGCAAGAGCTCTACCGCAACTTCAAAAGCATCTCCAAGGCCTTG[G>A]TGGAGCGGGGTGGTGTGGTCACCAGCAACCCACTTGGCTTCTGAATACTCCCGGCCAGGG-3'
Protein context (NP_000009.1, residues 632-652): RNFKSISKAL[Val642Met]ERGGVVTSNP

ClinVar aggregate classification (germline): Conflicting classifications of pathogenicity. Review status: criteria provided, conflicting classifications (1 of 4 stars). 3 submissions from 3 submitters: Likely pathogenic (1); Uncertain significance (2). Last evaluated 2026-05-22.

Conditions:
Very long chain acyl-CoA dehydrogenase deficiency (ACADVLD). Also called: Very Long-Chain Acyl-Coenzyme A Dehydrogenase Deficiency; VLCAD Deficiency. Identifiers: Orphanet 26793, MedGen C3887523, MONDO:0008723, OMIM 201475.

Allele frequency attached by ClinVar (database versions not stated): TOPMed below 0.00001; gnomAD exomes 0.00001.
gnomAD v4.1: 3 of 1,614,122 alleles (0.00019%); highest among the groups gnomAD compares: Non-Finnish European, 0.00025%; no homozygotes.

Submissions (3):

Myriad Genetics, Inc.
Classification: Uncertain significance for Very long chain acyl-CoA dehydrogenase deficiency. Last evaluated: 2026-05-22. Review status: criteria provided, single submitter. Criteria: Myriad Autosomal Dominant, Autosomal Recessive and X-Linked Classification Criteria (2023). Collection method: clinical testing. Allele origin: unknown.
Comment: NM_000018.3(ACADVL):c.1924G>A(V642M) is a missense variant classified as a variant of uncertain significance in the context of very-long-chain acyl-CoA dehydrogenase deficiency. V642M has been observed in a case with relevant disease (PMID: 31031081). Relevant functional assessments of this variant are not available in the literature. V642M has not been observed in referenced population frequency databases. In summary, there is insufficient evidence to classify NM_000018.3(ACADVL):c.1924G>A(V642M) as pathogenic or benign. Please note: this variant was assessed in the context of healthy population screening.

Women's Health and Genetics/Laboratory Corporation of America, LabCorp
Classification: Uncertain significance. Last evaluated: 2025-09-04. Review status: criteria provided, single submitter. Criteria: LabCorp Variant Classification Summary - May 2015. Collection method: clinical testing. Allele origin: germline.
Comment: Variant summary: ACADVL c.1924G>A (p.Val642Met) results in a conservative amino acid change in the encoded protein sequence. Algorithms developed to predict the effect of missense changes on protein structure and function are either unavailable or do not agree on the potential impact of this missense change. The variant was absent in 251436 control chromosomes (gnomAD). The available data on variant occurrences in the general population are insufficient to allow any conclusion about variant significance. c.1924G>A has been observed in an individual affected with Very Long Chain Acyl-CoA Dehydrogenase Deficiency (Rovelli_2019). These data do not allow any conclusion about variant significance. To our knowledge, no experimental evidence demonstrating an impact on protein function has been reported. The following publication has been ascertained in the context of this evaluation (PMID: 31031081). ClinVar contains an entry for this variant (Variation ID: 2418760). Based on the evidence outlined above, the variant was classified as uncertain significance.

Labcorp Genetics (formerly Invitae), Labcorp
Classification: Likely pathogenic for Very long chain acyl-CoA dehydrogenase deficiency. Last evaluated: 2022-09-19. Review status: criteria provided, single submitter. Criteria: Invitae Variant Classification Sherloc (09022015). Collection method: clinical testing. Allele origin: germline.
Comment: In summary, the currently available evidence indicates that the variant is pathogenic, but additional data are needed to prove that conclusively. Therefore, this variant has been classified as Likely Pathogenic. Advanced modeling of protein sequence and biophysical properties (such as structural, functional, and spatial information, amino acid conservation, physicochemical variation, residue mobility, and thermodynamic stability) performed at Invitae indicates that this missense variant is expected to disrupt ACADVL protein function. This sequence change replaces valine, which is neutral and non-polar, with methionine, which is neutral and non-polar, at codon 642 of the ACADVL protein (p.Val642Met). This variant is not present in population databases (gnomAD no frequency). This missense change has been observed in individual(s) with very long chain acyl-CoA dehydrogenase (VLCAD) deficiency (PMID: 31031081).

Literature cited by the submitters: PubMed 31031081 (cited by 3 submitters).